The following is an entry in ClinVar:

ClinVar aggregate classification (germline): Uncertain significance (1 of 4 stars; one submission).

Conditions:
Neonatal-onset encephalopathy with rigidity and seizures. Also called: Lethal neonatal spasticity-epileptic encephalopathy syndrome. Identifiers: Orphanet 435845, MedGen C3281029, MONDO:0013784, OMIM 614498.

gnomAD v4.1: 9 of 1,609,574 alleles (0.00056%); highest among the groups gnomAD compares: Non-Finnish European, 0.00068%; no homozygotes.

Submission:

Labcorp Genetics (formerly Invitae), Labcorp
Classification: Uncertain significance for Neonatal-onset encephalopathy with rigidity and seizures. Last evaluated: 2021-11-01. Review status: criteria provided, single submitter. Criteria: Invitae Variant Classification Sherloc (09022015). Collection method: clinical testing. Allele origin: germline.
Comment: This sequence change replaces glutamine, which is neutral and polar, with histidine, which is basic and polar, at codon 767 of the BRAT1 protein (p.Gln767His). This variant is not present in population databases (gnomAD no frequency). This variant has not been reported in the literature in individuals affected with BRAT1-related conditions. Algorithms developed to predict the effect of missense changes on protein structure and function are either unavailable or do not agree on the potential impact of this missense change (SIFT: "Tolerated"; PolyPhen-2: "Possibly Damaging"; Align-GVGD: "Class C0"). In summary, the available evidence is currently insufficient to determine the role of this variant in disease. Therefore, it has been classified as a Variant of Uncertain Significance.

NM_152743.4(BRAT1):c.2301G>C (p.Gln767His)

Gene: BRAT1 (BRCA1 associated ATM activator 1; minus strand). Cytogenetic location: 7p22.3.
Variant type: single nucleotide variant.
Coding change: c.2301G>C on transcript NM_152743.4 (MANE Select); coding-DNA position 2301, G replaced by C.
Protein change: p.Gln767His; replaces glutamine 767 with histidine.
Molecular consequence: missense variant. On other transcripts: non-coding transcript variant (1).
Genome position (GRCh38, 1-based): chr7:2,538,234, C>G on the plus strand (G>C on the coding strand, the complement: BRAT1 is on the minus strand). VCF-style: chr7-2538234-C-G. GRCh37 (hg19) VCF-style: chr7-2577868-C-G.
Other names: c.2481G>C, p.Gln827His (NM_001350626.2); c.1776G>C, p.Gln592His (NM_001350627.2); short protein forms Q592H, Q827H, Q767H.
Identifiers: ClinVar variation 1390513 (VCV001390513.3), dbSNP rs376888751, ClinGen allele CA366623897.
Genomic context (GRCh38, chr7:2,538,234, plus strand): 5'-CGTGCTCCGCAGGCCCTCCAGGTCTAGGGACCTGAGCATGGCCAGCACAGCCTCAGGCTC[C>G]TGGTCCCCTGGGGGCTGGGCCTGCTCACCCGCCCGCCACCTCGGCAGGGTGGCCTCTGCG-3'
Protein context (NP_689956.2, residues 757-777): AGEQAQPPGD[Gln767His]EPEAVLAMLR